The following is an entry in ClinVar:

NM_206933.4(USH2A):c.5813G>T (p.Gly1938Val)

Genes: USH2A (usherin; minus strand), USH2A-AS2 (USH2A antisense RNA 2; plus strand). Cytogenetic location: 1q41.
Variant type: single nucleotide variant.
Coding change: c.5813G>T on transcript NM_206933.4 (MANE Select); coding-DNA position 5813, G replaced by T.
Protein change: p.Gly1938Val; replaces glycine 1938 with valine.
Molecular consequence: missense variant.
Genome position (GRCh38, 1-based): chr1:216,072,933, C>A on the plus strand (G>T on the coding strand, the complement: USH2A is on the minus strand). VCF-style: chr1-216072933-C-A. GRCh37 (hg19) VCF-style: chr1-216246275-C-A.
Other names: short protein forms G1938V.
Identifiers: ClinVar variation 1209666 (VCV001209666.10), dbSNP rs2031607385, ClinGen allele CA344853810.

ClinVar aggregate classification (germline): Uncertain significance. Review status: criteria provided, multiple submitters, no conflicts (2 of 4 stars). 3 submissions from 2 submitters: Uncertain significance (3). Last evaluated 2024-04-17.

Conditions:
Retinitis pigmentosa 39 (RP39). Identifiers: Orphanet 791, MedGen C3151138, MONDO:0013436, OMIM 613809.
Usher syndrome type 2A. Also called: USHER SYNDROME, TYPE IIA; RETINAL DISEASE IN USHER SYNDROME TYPE IIA, MODIFIER OF. Identifiers: Orphanet 231178, Orphanet 886, MedGen C1848634, MONDO:0010169, OMIM 276901.

Allele frequency attached by ClinVar (database versions not stated): gnomAD exomes below 0.00001.
gnomAD v4.1: 4 of 1,613,902 alleles (0.00025%); highest among the groups gnomAD compares: South Asian, 0.0033%; no homozygotes.

Submissions (3):

Labcorp Genetics (formerly Invitae), Labcorp
Classification: Uncertain significance. Last evaluated: 2024-04-17. Review status: criteria provided, single submitter. Criteria: Invitae Variant Classification Sherloc (09022015). Collection method: clinical testing. Allele origin: germline.
Comment: This sequence change replaces glycine, which is neutral and non-polar, with valine, which is neutral and non-polar, at codon 1938 of the USH2A protein (p.Gly1938Val). This variant is not present in population databases (gnomAD no frequency). This variant has not been reported in the literature in individuals affected with USH2A-related conditions. ClinVar contains an entry for this variant (Variation ID: 1209666). Advanced modeling of protein sequence and biophysical properties (such as structural, functional, and spatial information, amino acid conservation, physicochemical variation, residue mobility, and thermodynamic stability) performed at Invitae indicates that this missense variant is expected to disrupt USH2A protein function with a positive predictive value of 95%. In summary, the available evidence is currently insufficient to determine the role of this variant in disease. Therefore, it has been classified as a Variant of Uncertain Significance.

Genome-Nilou Lab
Classification: Uncertain significance for Usher syndrome type 2A. Last evaluated: 2021-07-22. Review status: criteria provided, single submitter. Criteria: ACMG Guidelines, 2015. Collection method: clinical testing. Allele origin: germline. Affected: no.

Genome-Nilou Lab
Classification: Uncertain significance for Retinitis pigmentosa 39. Last evaluated: 2021-07-22. Review status: criteria provided, single submitter. Criteria: ACMG Guidelines, 2015. Collection method: clinical testing. Allele origin: germline. Affected: no.